The following is an entry in ClinVar:

NM_003924.4(PHOX2B):c.747_773dup (p.Ala260_Gly261insAlaAlaAlaAlaAlaAlaAlaAlaAla)

Genes: PHOX2B (paired like homeobox 2B; minus strand), LOC110011216 (paired like homeobox 2b polyalanine repeat instability region; plus strand). Cytogenetic location: 4p13.
Variant type: Duplication.
Coding change: c.747_773dup on transcript NM_003924.4 (MANE Select); coding-DNA positions 747 to 773, 27 bases duplicated (AGCGGCGGCGGCGGCAGCGGCAGCGGC).
Protein change: p.Ala260_Gly261insAlaAlaAlaAlaAlaAlaAlaAlaAla.
Molecular consequence: inframe insertion. On other transcripts: inframe indel (1).
Genome position (GRCh38, 1-based): chr4:41,745,979-41,746,005, GCCGCTGCCGCTGCCGCCGCCGCCGCT duplicated on the plus strand (AGCGGCGGCGGCGGCAGCGGCAGCGGC on the coding strand, the reverse complement: PHOX2B is on the minus strand); duplicating any 27 consecutive bases within chr4:41,745,979-41,746,010 gives the same sequence; the c. name uses the placement nearest the transcript's 3' end. VCF-style (leftmost placement, unchanged base first): chr4-41745978-C-CGCCGCTGCCGCTGCCGCCGCCGCCGCT. GRCh37 (hg19) VCF-style: chr4-41747995-C-CGCCGCTGCCGCTGCCGCCGCCGCCGCT.
Other names: c.747_773dupAGCGGCGGCGGCGGCAGCGGCAGCGGC (NM_003924.3).
Identifiers: ClinVar variation 2625352 (VCV002625352.2), dbSNP rs778840671, ClinGen allele CA2582342653.
Genomic context (GRCh38, chr4:41,745,978, plus strand): 5'-GCCGGGGCCGGGAGCCCAGCCTTGTCCAGGGCCCCCAGCCGCAGCCAGGCCTCCAGCTGC[C>CGCCGCTGCCGCTGCCGCCGCCGCCGCT]GCCGCTGCCGCTGCCGCCGCCGCCGCTGCCGCGGCCGCCGCCGCTGCTGCTGCGCCGCCC-3'

ClinVar aggregate classification (germline): Pathogenic (1 of 4 stars; one submission).

Conditions:
Hereditary cancer-predisposing syndrome. Also called: Tumor predisposition; Hereditary Cancer Syndrome; Hereditary neoplastic syndrome; Neoplastic Syndromes, Hereditary. Identifiers: Orphanet 140162, MedGen C0027672, MeSH D009386, MONDO:0015356.

Submission:

Ambry Genetics
Classification: Pathogenic for Hereditary cancer-predisposing syndrome. Last evaluated: 2023-09-06. Review status: criteria provided, single submitter. Criteria: Ambry Variant Classification Scheme 2023. Collection method: clinical testing. Allele origin: germline.
Comment: The p.Ala241[29] pathogenic mutation, located in coding exon 3 of the PHOX2B gene, results from an expansion of the polyalanine repeat region from 20 to 29 repeats. This expansion mutation is associated with congenital central hypoventilation syndrome (Amiel J et al. Nat. Genet., 2003 Apr;33:459-61). Based on the supporting evidence, this alteration is interpreted as a disease-causing mutation.

Literature cited by the submitters: PubMed 12640453.